The following is an entry in ClinVar:

NM_016166.3(PIAS1):c.1727A>G (p.His576Arg)

Gene: PIAS1 (protein inhibitor of activated STAT 1; plus strand). Cytogenetic location: 15q23.
Variant type: single nucleotide variant.
Coding change: c.1727A>G on transcript NM_016166.3 (MANE Select); coding-DNA position 1727, A replaced by G.
Protein change: p.His576Arg; replaces histidine 576 with arginine.
Molecular consequence: missense variant.
Genome position (GRCh38, 1-based): chr15:68,187,606, A>G. VCF-style: chr15-68187606-A-G. GRCh37 (hg19) VCF-style: chr15-68479944-A-G.
Other names: c.1733A>G, p.His578Arg (NM_001320687.1); short protein forms H578R, H576R.
Identifiers: ClinVar variation 4698170 (VCV004698170.1).

ClinVar aggregate classification (germline): Uncertain significance (1 of 4 stars; one submission).

gnomAD v4.1: 6 of 1,613,060 alleles (0.00037%); highest among the groups gnomAD compares: African/African-American, 0.004%; no homozygotes.

Submission:

Labcorp Genetics (formerly Invitae), Labcorp
Classification: Uncertain significance. Last evaluated: 2025-03-29. Review status: criteria provided, single submitter. Criteria: Invitae Variant Classification Sherloc (09022015). Collection method: clinical testing. Allele origin: germline.
Comment: This sequence change replaces histidine, which is basic and polar, with arginine, which is basic and polar, at codon 576 of the PIAS1 protein (p.His576Arg). This variant is present in population databases (rs757509151, gnomAD 0.0009%). This variant has not been reported in the literature in individuals affected with PIAS1-related conditions. An algorithm developed to predict the effect of missense changes on protein structure and function (PolyPhen-2) suggests that this variant is likely to be tolerated. In summary, the available evidence is currently insufficient to determine the role of this variant in disease. Therefore, it has been classified as a Variant of Uncertain Significance.